The following is an entry in ClinVar:

NM_001458.5(FLNC):c.4550T>C (p.Val1517Ala)

Gene: FLNC (filamin C; plus strand). Cytogenetic location: 7q32.1.
Variant type: single nucleotide variant.
Coding change: c.4550T>C on transcript NM_001458.5 (MANE Select); coding-DNA position 4550, T replaced by C.
Protein change: p.Val1517Ala; replaces valine 1517 with alanine.
Molecular consequence: missense variant.
Genome position (GRCh38, 1-based): chr7:128,848,038, T>C. VCF-style: chr7-128848038-T-C. GRCh37 (hg19) VCF-style: chr7-128488092-T-C.
Other names: c.4550T>C, p.Val1517Ala (NM_001127487.2); short protein forms V1517A.
Identifiers: ClinVar variation 2182514 (VCV002182514.4), dbSNP rs2536646620, ClinGen allele CA369201993.

ClinVar aggregate classification (germline): Uncertain significance (1 of 4 stars; one submission).

Conditions:
Myofibrillar myopathy 5. Also called: FILAMINOPATHY, AUTOSOMAL DOMINANT; Filaminopathy (type). Identifiers: Orphanet 171445, MedGen C1836050, MONDO:0012289, OMIM 609524.
Distal myopathy with posterior leg and anterior hand involvement. Also called: WILLIAMS DISTAL MYOPATHY. Identifiers: Orphanet 63273, MedGen C3279722, MONDO:0013550, OMIM 614065.
Hypertrophic cardiomyopathy 26. Also called: Cardiomyopathy, familial hypertrophic, 26. Identifiers: Orphanet 75249, MedGen C4310749, MONDO:0014883, OMIM 617047.

Submission:

Labcorp Genetics (formerly Invitae), Labcorp
Classification: Uncertain significance for Distal myopathy with posterior leg and anterior hand involvement; Myofibrillar myopathy 5; Hypertrophic cardiomyopathy 26. Last evaluated: 2022-03-18. Review status: criteria provided, single submitter. Criteria: Invitae Variant Classification Sherloc (09022015). Collection method: clinical testing. Allele origin: germline.
Comment: This sequence change replaces valine, which is neutral and non-polar, with alanine, which is neutral and non-polar, at codon 1517 of the FLNC protein (p.Val1517Ala). This variant is not present in population databases (gnomAD no frequency). This variant has not been reported in the literature in individuals affected with FLNC-related conditions. Algorithms developed to predict the effect of missense changes on protein structure and function are either unavailable or do not agree on the potential impact of this missense change (SIFT: "Deleterious"; PolyPhen-2: "Probably Damaging"; Align-GVGD: "Class C0"). In summary, the available evidence is currently insufficient to determine the role of this variant in disease. Therefore, it has been classified as a Variant of Uncertain Significance.